The following is an entry in ClinVar:

NM_006440.5(TXNRD2):c.760C>G (p.Arg254Gly)

Gene: TXNRD2 (thioredoxin reductase 2; minus strand). Cytogenetic location: 22q11.21.
Variant type: single nucleotide variant.
Coding change: c.760C>G on transcript NM_006440.5 (MANE Select); coding-DNA position 760, C replaced by G.
Protein change: p.Arg254Gly; replaces arginine 254 with glycine.
Molecular consequence: missense variant. On other transcripts: non-coding transcript variant (1).
Genome position (GRCh38, 1-based): chr22:19,898,053, G>C on the plus strand (C>G on the coding strand, the complement: TXNRD2 is on the minus strand). VCF-style: chr22-19898053-G-C. GRCh37 (hg19) VCF-style: chr22-19885576-G-C.
Other names: c.760C>G, p.Arg254Gly (NM_001282512.3); c.757C>G, p.Arg253Gly (NM_001352300.2); c.670C>G, p.Arg224Gly (NM_001352301.2); c.472C>G, p.Arg158Gly (NM_001352302.2); c.664C>G, p.Arg222Gly (NM_001352303.2); short protein forms R158G, R224G, R253G, R254G, R222G.
Identifiers: ClinVar variation 4842254 (VCV004842254.1).

ClinVar aggregate classification (germline): Uncertain significance (1 of 4 stars; one submission).

Conditions:
Cardiovascular phenotype. Identifiers: MedGen CN230736.

gnomAD v4.1: 2 of 1,558,734 alleles (0.00013%); highest among the groups gnomAD compares: Non-Finnish European, 0.00017%; no homozygotes.

Submission:

Ambry Genetics
Classification: Uncertain significance for Cardiovascular phenotype. Last evaluated: 2026-01-02. Review status: criteria provided, single submitter. Criteria: Ambry Variant Classification Scheme 2023. Collection method: clinical testing. Allele origin: germline.
Comment: The p.R254G variant (also known as c.760C>G), located in coding exon 10 of the TXNRD2 gene, results from a C to G substitution at nucleotide position 760. The arginine at codon 254 is replaced by glycine, an amino acid with dissimilar properties. This amino acid position is conserved. In addition, this alteration is predicted to be deleterious by in silico analysis. Based on the available evidence, the clinical significance of this variant remains unclear.